The following is an entry in ClinVar:

ClinVar aggregate classification (germline): Uncertain significance. Review status: criteria provided, multiple submitters, no conflicts (2 of 4 stars). 2 submissions from 2 submitters: Uncertain significance (2). Last evaluated 2022-04-23.

Conditions:
Hyperphosphatasemia with bone disease (PDB5). Also called: PAGET DISEASE OF BONE 5, JUVENILE-ONSET; Paget disease of bone 5; HYPEROSTOSIS CORTICALIS DEFORMANS JUVENILIS; HYPERPHOSPHATASEMIA, CHRONIC CONGENITAL IDIOPATHIC; HYPERPHOSPHATASIA, FAMILIAL IDIOPATHIC; Osteoectasia familial. Identifiers: Orphanet 2801, MedGen C0268414, MONDO:0009394, OMIM 239000.

Submissions (2):

Labcorp Genetics (formerly Invitae), Labcorp
Classification: Uncertain significance. Last evaluated: 2022-04-23. Review status: criteria provided, single submitter. Criteria: Invitae Variant Classification Sherloc (09022015). Collection method: clinical testing. Allele origin: germline.
Comment: This variant has not been reported in the literature in individuals affected with TNFRSF11B-related conditions. In summary, the available evidence is currently insufficient to determine the role of this variant in disease. Therefore, it has been classified as a Variant of Uncertain Significance. Algorithms developed to predict the effect of missense changes on protein structure and function are either unavailable or do not agree on the potential impact of this missense change (SIFT: "Deleterious"; PolyPhen-2: "Possibly Damaging"; Align-GVGD: "Class C0"). ClinVar contains an entry for this variant (Variation ID: 912225). This variant is present in population databases (no rsID available, gnomAD 0.03%). This sequence change replaces valine, which is neutral and non-polar, with leucine, which is neutral and non-polar, at codon 281 of the TNFRSF11B protein (p.Val281Leu).

Illumina Laboratory Services, Illumina
Classification: Uncertain significance for Hyperphosphatasemia with bone disease. Last evaluated: 2017-04-28. Review status: criteria provided, single submitter. Criteria: ICSL Variant Classification Criteria 13 December 2019. Collection method: clinical testing. Allele origin: germline.

NM_002546.4(TNFRSF11B):c.841G>T (p.Val281Leu)

Gene: TNFRSF11B (TNF receptor superfamily member 11b; minus strand). Cytogenetic location: 8q24.12.
Variant type: single nucleotide variant.
Coding change: c.841G>T on transcript NM_002546.4 (MANE Select); coding-DNA position 841, G replaced by T.
Protein change: p.Val281Leu; replaces valine 281 with leucine.
Molecular consequence: missense variant.
Genome position (GRCh38, 1-based): chr8:118,924,739, C>A on the plus strand (G>T on the coding strand, the complement: TNFRSF11B is on the minus strand). VCF-style: chr8-118924739-C-A. GRCh37 (hg19) VCF-style: chr8-119936978-C-A.
Other names: short protein forms V281L.
Identifiers: ClinVar variation 912225 (VCV000912225.8), dbSNP rs140782326, ClinGen allele CA184863331.